The following is an entry in ClinVar:

ClinVar aggregate classification (germline): Uncertain significance (1 of 4 stars; one submission).

Conditions:
Hereditary sensory and autonomic neuropathy type 6. Also called: HSAN VI; Neuropathy, hereditary sensory and autonomic, type VI. Identifiers: Orphanet 314381, MedGen C3539003, MONDO:0013839, OMIM 614653.
Epidermolysis bullosa simplex 3, localized or generalized intermediate, with BP230 deficiency (EBS3). Also called: Epidermolysis bullosa simplex due to BP230 deficiency; Epidermolysis bullosa simplex, autosomal recessive 2. Identifiers: Orphanet 412181, MedGen C3809470, MONDO:0014180, OMIM 615425.

Submission:

Labcorp Genetics (formerly Invitae), Labcorp
Classification: Uncertain significance for Epidermolysis bullosa simplex 3, localized or generalized intermediate, with BP230 deficiency; Hereditary sensory and autonomic neuropathy type 6. Last evaluated: 2020-02-05. Review status: criteria provided, single submitter. Criteria: Invitae Variant Classification Sherloc (09022015). Collection method: clinical testing. Allele origin: germline.
Comment: In summary, the available evidence is currently insufficient to determine the role of this variant in disease. Therefore, it has been classified as a Variant of Uncertain Significance. Algorithms developed to predict the effect of missense changes on protein structure and function are either unavailable or do not agree on the potential impact of this missense change (SIFT: "Tolerated"; PolyPhen-2: "Possibly Damaging"; Align-GVGD: "Class C0"). This variant has not been reported in the literature in individuals with DST-related conditions. This variant is not present in population databases (ExAC no frequency). This sequence change replaces cysteine with tyrosine at codon 2605 of the DST protein (p.Cys2605Tyr). The cysteine residue is weakly conserved and there is a large physicochemical difference between cysteine and tyrosine.

NM_001723.7(DST):c.7814G>A (p.Cys2605Tyr)

Gene: DST (dystonin; minus strand). Cytogenetic location: 6p12.1.
Variant type: single nucleotide variant.
Coding change: c.7814G>A on transcript NM_001723.7 (MANE Plus Clinical); coding-DNA position 7814, G replaced by A.
Protein change: p.Cys2605Tyr; replaces cysteine 2605 with tyrosine.
Molecular consequence: missense variant. On other transcripts: intron variant (10).
Genome position (GRCh38, 1-based): chr6:56,615,653, C>T on the plus strand (G>A on the coding strand, the complement: DST is on the minus strand). VCF-style: chr6-56615653-C-T. GRCh37 (hg19) VCF-style: chr6-56480451-C-T.
Other names: c.4831-1169G>A (NM_001144769.5); c.4930-1169G>A (NM_001374722.1, NM_001374736.1); c.4957-1169G>A (NM_001374734.1); c.4417-1169G>A (NM_001144770.2); c.4297-1169G>A (NM_001374730.1, NM_001386100.1, NM_183380.4 and 1 more transcripts); c.3319-1169G>A (NM_015548.5); short protein forms C2605Y.
Identifiers: ClinVar variation 1016732 (VCV001016732.9), dbSNP rs191289833, ClinGen allele CA364562188.
Genomic context (GRCh38, chr6:56,615,653, plus strand): 5'-AAATCAAAATCAGCTTTTTCTAAGGCTTCTTTATATGTCAACTTTCTTTTTGTCTGAGGG[C>T]ATATTATATTTCTGACATATGACTTTTGATCTTTGAGTTTTGTGGCAATGAGGACATCTA-3'
Protein context (NP_001714.1, residues 2595-2615): DQKSYVRNII[Cys2605Tyr]PQTKRKLTYK